The following is an entry in ClinVar:

NM_001159699.2(FHL1):c.786C>G (p.His262Gln)

Gene: FHL1 (four and a half LIM domains 1; plus strand). Cytogenetic location: Xq26.3.
Variant type: single nucleotide variant.
Coding change: c.786C>G on transcript NM_001159699.2 (MANE Select); coding-DNA position 786, C replaced by G.
Protein change: p.His262Gln; replaces histidine 262 with glutamine.
Molecular consequence: missense variant. On other transcripts: non-coding transcript variant (1).
Genome position (GRCh38, 1-based): chrX:136,209,920, C>G. VCF-style: chrX-136209920-C-G. GRCh37 (hg19) VCF-style: chrX-135292079-C-G.
Other names: c.738C>G, p.His246Gln (NM_001159700.2, NM_001159704.1, NM_001167819.1 and 4 more transcripts); c.825C>G, p.His275Gln (NM_001159701.2); c.938C>G, p.Thr313Arg (NM_001159702.3, NM_001369326.1, NM_001369327.2 and 1 more transcripts); c.551C>G, p.Thr184Arg (NM_001159703.2); c.599C>G, p.Thr200Arg (NM_001330659.2); short protein forms H246Q, H262Q, H275Q, T184R, T200R, T313R.
Identifiers: ClinVar variation 3376680 (VCV003376680.2).

ClinVar aggregate classification (germline): Conflicting classifications of pathogenicity. Review status: criteria provided, conflicting classifications (1 of 4 stars). 2 submissions from 2 submitters: Likely pathogenic (1); Uncertain significance (1). Last evaluated 2024-02-29.

Conditions:
X-linked myopathy with postural muscle atrophy. Also called: FHL1-Related Emery-Dreifuss Muscular Dystrophy, X-Linked. Identifiers: Orphanet 178461, MedGen C2678055, MONDO:0010401, OMIM 300696.
FHL1-related disorder. Also called: FHL1-related disorders; FHL1-related condition.

gnomAD v4.1: 1 of 1,211,192 alleles (0.000083%); highest among the groups gnomAD compares: Admixed American, 0.0022%; no homozygotes.

Submissions (2):

Blueprint Genetics
Classification: Likely pathogenic for FHL1-related disorders. Last evaluated: 2024-02-29. Review status: criteria provided, single submitter. Criteria: ACMG Guidelines, 2015. Collection method: clinical testing. Allele origin: germline. Affected: yes. Observed: 3 variant alleles.

Victorian Clinical Genetics Services, Murdoch Childrens Research Institute
Classification: Uncertain significance for X-linked myopathy with postural muscle atrophy. Last evaluated: 2022-02-02. Review status: criteria provided, single submitter. Criteria: ACMG Guidelines, 2015. Collection method: clinical testing. Allele origin: germline. Inheritance: X-linked recessive inheritance. Affected: yes.
Comment: Based on the classification scheme VCGS_Germline_v1.3.4, this variant is classified as VUS-3A. Following criteria are met: 0102 - Loss of function is a known mechanism of disease in this gene and is associated with Emery-Dreifuss muscular dystrophy 6 (MIM#300696; PMID: 19716112). The mechanism of disease for other FHL1-related conditions is unclear (OMIM). (I) 0108 - This gene is associated with both recessive and dominant disease. Variants in this gene has been reported in both carrier and clinically affected females (OMIM). (I) 0115 - Variants in this gene are known to have variable expressivity. Variable muscle weakness has been reported for Emery-Dreifuss muscular dystrophy 6 (MIM#300696; PMID: 31840275). (I) 0200 - Variant is predicted to result in a missense amino acid change from histidine to glutamine. (I) 0253 - This variant is hemizygous. (I) 0301 - Variant is absent from gnomAD (both v2 and v3). (SP) 0502 - Missense variant with conflicting in silico predictions and uninformative conservation. (I) 0601 - Variant is located in the well-established functional 4th LIM domain, within a zinc ion coordinating histidine residue (PMID: 19687455). (SP) 0708 - Another missense variant comparable to the one identified in this case has conflicting previous evidence for pathogenicity. This alternative change (p.(His262Tyr)) has been reported as a VUS, but also described in two unrelated hemizygous individuals with X-linked myopathy with postural muscle atrophy and generalized hypertrophy (ClinVar, PMID: 19687455, PMID: 22923418). (I) 0809 - Previous evidence of pathogenicity for this variant is inconclusive. This variant has been described as a VUS and observed in an individual with hypertrophic cardiomyopathy (ClinVar, personal communication). (I) 0905 - No published segregation evidence has been identified for this variant. (I) 1007 - No published functional evidence has been identified for this variant. (I) 1208 - Inheritance information for this variant is not currently available in this individual. (I) Legend: (SP) - Supporting pathogenic, (I) - Information, (SB) - Supporting benign

Literature cited by the submitters: PubMed 19687455 (cited by Victorian Clinical Genetics Services, Murdoch Childrens Research Institute); PubMed 19716112 (cited by Victorian Clinical Genetics Services, Murdoch Childrens Research Institute); PubMed 22923418 (cited by Victorian Clinical Genetics Services, Murdoch Childrens Research Institute); PubMed 31840275 (cited by Victorian Clinical Genetics Services, Murdoch Childrens Research Institute).